The following is an entry in ClinVar:

NM_000051.4(ATM):c.9170G>C (p.Ter3057Ser)

Genes: ATM (ATM serine/threonine kinase; plus strand), C11orf65 (chromosome 11 open reading frame 65; minus strand). Cytogenetic location: 11q22.3.
Variant type: single nucleotide variant.
Coding change: c.9170G>C on transcript NM_000051.4 (MANE Select); coding-DNA position 9170, G replaced by C.
Protein change: p.Ter3057Ser.
Molecular consequence: stop lost. On other transcripts: intron variant (2).
Genome position (GRCh38, 1-based): chr11:108,365,507, G>C. VCF-style: chr11-108365507-G-C. GRCh37 (hg19) VCF-style: chr11-108236234-G-C.
Other names: c.9170G>C, p.Ter3057Ser (NM_001351834.2); c.640+20413C>G (NM_001330368.2); c.694+20413C>G (NM_001351110.2).
Identifiers: ClinVar variation 1044945 (VCV001044945.13), dbSNP rs2091262802, ClinGen allele CA382532215.

ClinVar aggregate classification (germline): Likely pathogenic. Review status: criteria provided, multiple submitters, no conflicts (2 of 4 stars). 3 submissions from 3 submitters: Likely pathogenic (3). Last evaluated 2026-06-10.

Conditions:
Ataxia-telangiectasia syndrome (AT). Also called: Ataxia telangiectasia (A-T); ATAXIA-TELANGIECTASIA, COMPLEMENTATION GROUP A; ATAXIA-TELANGIECTASIA, FRESNO VARIANT; Ataxia-telangiectasia; Ataxia-telangiectasia, complementation group E; LOUIS-BAR SYNDROME. Identifiers: Orphanet 100, MedGen C0004135, MONDO:0008840, OMIM 208900.
Hereditary cancer-predisposing syndrome. Also called: Neoplastic Syndromes, Hereditary; Tumor predisposition; Hereditary Cancer Syndrome; Hereditary neoplastic syndrome. Identifiers: Orphanet 140162, MedGen C0027672, MeSH D009386, MONDO:0015356.
Familial cancer of breast. Also called: Hereditary breast cancer; hereditary breast carcinoma; BREAST CANCER, FAMILIAL. Identifiers: Orphanet 227535, MedGen C0346153, MONDO:0016419, OMIM 114480. Disease mechanism: loss of function.

Submissions (3):

Ambry Genetics
Classification: Likely pathogenic for Hereditary cancer-predisposing syndrome. Last evaluated: 2026-06-10. Review status: criteria provided, single submitter. Criteria: Ambry Variant Classification Scheme 2023. Collection method: clinical testing. Allele origin: germline.
Comment: The p.*3057Sext*29 variant (also known as c.9170G>C), located in coding exon 62 of the ATM gene, results from a G to C substitution at nucleotide position 9170. This alteration disrupts the stop codon of the ATM gene and is predicted to preserve the native sequence while resulting in the elongation of the protein by 29 amino acids. However, based on an internal structural assessment, this alteration disrupts a functionally important region of ATM (Ambry internal data). This alteration has been reported in the homozygous state in an individual with ataxia-telangiectasia (Gilad S et al. Hum Mol Genet. 1996 Apr;5:433-9). In an assay testing ATM function, this variant showed a functionally abnormal result (Lee KS et al. Cell, 2025 Sep;188:5081-5099.e27). (Gilad S et al. Hum Mol Genet, 1996 Apr;5:433-9). This variant is considered to be rare based on population cohorts in the Genome Aggregation Database (gnomAD). Based on the majority of available evidence to date, this variant is likely to be pathogenic.

Myriad Genetics, Inc.
Classification: Likely pathogenic for Familial cancer of breast. Last evaluated: 2024-02-06. Review status: criteria provided, single submitter. Criteria: Myriad Autosomal Dominant, Autosomal Recessive and X-Linked Classification Criteria (2023). Collection method: clinical testing. Allele origin: unknown.
Comment: This variant is considered likely pathogenic. This variant creates a frameshift predicted to result in the incorporation of abnormal amino acid sequence into the protein product and abnormal protein elongation. This variant has been reported in multiple individuals with clinical features of gene-specific disease [PMID: 8845835, 29155101, 17910737, 21665257].

Labcorp Genetics (formerly Invitae), Labcorp
Classification: Likely pathogenic for Ataxia-telangiectasia syndrome. Last evaluated: 2022-03-08. Review status: criteria provided, single submitter. Criteria: Invitae Variant Classification Sherloc (09022015). Collection method: clinical testing. Allele origin: germline.
Comment: In summary, the currently available evidence indicates that the variant is pathogenic, but additional data are needed to prove that conclusively. Therefore, this variant has been classified as Likely Pathogenic. Algorithms developed to predict the effect of sequence changes on RNA splicing suggest that this variant may disrupt the consensus splice site. ClinVar contains an entry for this variant (Variation ID: 1044945). This protein extension has been observed in individual(s) with ataxia-telangiectasia (PMID: 8845835, 17910737). In at least one individual the data is consistent with being in trans (on the opposite chromosome) from a pathogenic variant. This variant is not present in population databases (gnomAD no frequency). This sequence change disrupts the translational stop signal of the ATM mRNA. It is expected to extend the length of the ATM protein by 29 additional amino acid residues.

Literature cited by the submitters: PubMed 40580951 (cited by Ambry Genetics); PubMed 8845835 (cited by 3 submitters); PubMed 29155101 (cited by Myriad Genetics, Inc.); PubMed 17910737 (cited by Myriad Genetics, Inc. and Labcorp Genetics (formerly Invitae), Labcorp); PubMed 21665257 (cited by Myriad Genetics, Inc.).